The following is an entry in ClinVar:

ClinVar aggregate classification (germline): Uncertain significance. Review status: criteria provided, multiple submitters, no conflicts (2 of 4 stars). 2 submissions from 2 submitters: Uncertain significance (2). Last evaluated 2025-11-18.

Conditions:
Telangiectasia, hereditary hemorrhagic, type 2 (HHT2). Also called: ACVRL1-Related Hereditary Hemorrhagic Telangiectasia; Telangiectasia, hereditary hemorrhagic, type II. Identifiers: Orphanet 774, MedGen C1838163, MONDO:0010880, OMIM 600376. Disease mechanism: loss of function.

Allele frequency attached by ClinVar (database versions not stated): ExAC 0.00002; gnomAD exomes 0.00001.
gnomAD v4.1: 12 of 1,614,058 alleles (0.00074%); highest among the groups gnomAD compares: Admixed American, 0.0033%; no homozygotes.

Submissions (2):

Dasa
Classification: Uncertain significance. Last evaluated: 2025-11-18. Review status: criteria provided, single submitter. Criteria: DASA Assertion Criteria. Collection method: clinical testing. Allele origin: germline.
Comment: NM_000020.3(ACVRL1):c.1229G>A (p.Arg410His) is a missense variant that results in the substitution of arginine with histidine. This variant is rare in population databases. Computational prediction algorithms are consistent with a deleterious effect. The currently available literature and clinical evidence are not sufficient to establish a definitive association between this variant and the reported condition. Therefore, this variant is classified as a variant of uncertain significance.

Labcorp Genetics (formerly Invitae), Labcorp
Classification: Uncertain significance for Telangiectasia, hereditary hemorrhagic, type 2. Last evaluated: 2024-11-01. Review status: criteria provided, single submitter. Criteria: Invitae Variant Classification Sherloc (09022015). Collection method: clinical testing. Allele origin: germline.
Comment: This sequence change replaces arginine, which is basic and polar, with histidine, which is basic and polar, at codon 410 of the ACVRL1 protein (p.Arg410His). This variant is present in population databases (rs746197083, gnomAD 0.006%). This variant has not been reported in the literature in individuals affected with ACVRL1-related conditions. ClinVar contains an entry for this variant (Variation ID: 2713671). Invitae Evidence Modeling of protein sequence and biophysical properties (such as structural, functional, and spatial information, amino acid conservation, physicochemical variation, residue mobility, and thermodynamic stability) has been performed for this missense variant. However, the output from this modeling did not meet the statistical confidence thresholds required to predict the impact of this variant on ACVRL1 protein function. In summary, the available evidence is currently insufficient to determine the role of this variant in disease. Therefore, it has been classified as a Variant of Uncertain Significance.

NM_000020.3(ACVRL1):c.1229G>A (p.Arg410His)

Gene: ACVRL1 (activin A receptor like type 1; plus strand). Cytogenetic location: 12q13.13.
Variant type: single nucleotide variant.
Coding change: c.1229G>A on transcript NM_000020.3 (MANE Select); coding-DNA position 1229, G replaced by A.
Protein change: p.Arg410His; replaces arginine 410 with histidine.
Molecular consequence: missense variant. On other transcripts: intron variant (1).
Genome position (GRCh38, 1-based): chr12:51,916,216, G>A. VCF-style: chr12-51916216-G-A. GRCh37 (hg19) VCF-style: chr12-52310000-G-A.
Other names: c.917G>A, p.Arg306His (NM_001406491.1, NM_001406492.1, NM_001406493.1 and 1 more transcripts); c.665G>A, p.Arg222His (NM_001406495.1); c.736+716G>A (NM_001406494.1); c.1229G>A, p.Arg410His (NM_001077401.2, NM_001406487.1, NM_001406488.1 and 1 more transcripts); short protein forms R306H, R410H, R222H.
Identifiers: ClinVar variation 2713671 (VCV002713671.5), dbSNP rs746197083, ClinGen allele CA6573091.
Genomic context (GRCh38, chr12:51,916,216, plus strand): 5'-TTGAGTCCTACAAGTGGACTGACATCTGGGCCTTTGGCCTGGTGCTGTGGGAGATTGCCC[G>A]CCGGACCATCGTGAATGGTGAGGGCCCACCCTACACAGGGTAGGGAAAGGGGAATCAGCC-3'
Protein context (NP_000011.2, residues 400-420): AFGLVLWEIA[Arg410His]RTIVNGIVED